The following is an entry in ClinVar:

ClinVar aggregate classification (germline): Uncertain significance. Review status: criteria provided, multiple submitters, no conflicts (2 of 4 stars). 2 submissions from 2 submitters: Uncertain significance (2). Last evaluated 2026-01-14.

Conditions:
Inborn genetic diseases. Identifiers: MedGen C0950123, MeSH D030342.
Orthostatic hypotension 1 (ORTHYP1). Also called: Orthostatic hypotension 1, due to DBH deficiency; NORADRENALINE DEFICIENCY; NOREPINEPHRINE DEFICIENCY; Dopamine beta-hydroxylase deficiency. Identifiers: Orphanet 230, MedGen C4746777, MONDO:0009123, OMIM 223360.

Allele frequency attached by ClinVar (database versions not stated): gnomAD exomes 0.00008; TOPMed 0.00009; ESP Exome Variant Server 0.00008; ExAC 0.00010; gnomAD 0.00010 and 0.00011.
gnomAD v4.1: 199 of 1,613,820 alleles (0.012%); highest among the groups gnomAD compares: Non-Finnish European, 0.013%; no homozygotes.

Submissions (2):

Ambry Genetics
Classification: Uncertain significance for Inborn genetic diseases. Last evaluated: 2026-01-14. Review status: criteria provided, single submitter. Criteria: Ambry Variant Classification Scheme 2023. Collection method: clinical testing. Allele origin: germline.
Comment: The c.686C>T (p.T229M) alteration is located in exon 3 (coding exon 3) of the DBH gene. This alteration results from a C to T substitution at nucleotide position 686, causing the threonine (T) at amino acid position 229 to be replaced by a methionine (M). Based on data from gnomAD, the T allele has an overall frequency of 0.008% (23/281736) total alleles studied. The highest observed frequency was 0.02% (5/25028) of European (Finnish) alleles. Based on insufficient or conflicting evidence, the clinical significance of this alteration remains unclear.

Labcorp Genetics (formerly Invitae), Labcorp
Classification: Uncertain significance for Orthostatic hypotension 1. Last evaluated: 2024-02-24. Review status: criteria provided, single submitter. Criteria: Invitae Variant Classification Sherloc (09022015). Collection method: clinical testing. Allele origin: germline.
Comment: This sequence change replaces threonine, which is neutral and polar, with methionine, which is neutral and non-polar, at codon 229 of the DBH protein (p.Thr229Met). This variant is present in population databases (rs200628504, gnomAD 0.02%). This variant has not been reported in the literature in individuals affected with DBH-related conditions. ClinVar contains an entry for this variant (Variation ID: 1440714). Advanced modeling of protein sequence and biophysical properties (such as structural, functional, and spatial information, amino acid conservation, physicochemical variation, residue mobility, and thermodynamic stability) performed at Invitae indicates that this missense variant is expected to disrupt DBH protein function with a positive predictive value of 80%. In summary, the available evidence is currently insufficient to determine the role of this variant in disease. Therefore, it has been classified as a Variant of Uncertain Significance.

NM_000787.4(DBH):c.686C>T (p.Thr229Met)

Gene: DBH (dopamine beta-hydroxylase; plus strand). Cytogenetic location: 9q34.2.
Variant type: single nucleotide variant.
Coding change: c.686C>T on transcript NM_000787.4 (MANE Select); coding-DNA position 686, C replaced by T.
Protein change: p.Thr229Met; replaces threonine 229 with methionine.
Molecular consequence: missense variant.
Genome position (GRCh38, 1-based): chr9:133,642,406, C>T. VCF-style: chr9-133642406-C-T. GRCh37 (hg19) VCF-style: chr9-136507528-C-T.
Other names: c.686C>T (NM_000787.3); short protein forms T229M.
Identifiers: ClinVar variation 1440714 (VCV001440714.8), dbSNP rs200628504, ClinGen allele CA5313155.